The following is an entry in ClinVar:

ClinVar aggregate classification (germline): Uncertain significance (1 of 4 stars; one submission).

Conditions:
Hereditary pancreatitis (PCTT). Also called: Hereditary chronic pancreatitis; PRSS1-Related Hereditary Pancreatitis. Identifiers: Orphanet 676, MedGen C0238339, MONDO:0008185, OMIM 167800.

Allele frequency attached by ClinVar (database versions not stated): gnomAD exomes below 0.00001; ExAC 0.00001; gnomAD 0.00001.

Submission:

Ambry Genetics
Classification: Uncertain significance for Hereditary pancreatitis. Last evaluated: 2025-07-18. Review status: criteria provided, single submitter. Criteria: Ambry Variant Classification Scheme 2023. Collection method: clinical testing. Allele origin: germline.
Comment: The p.L134R variant (also known as c.401T>G), located in coding exon 4 of the CPA1 gene, results from a T to G substitution at nucleotide position 401. The leucine at codon 134 is replaced by arginine, an amino acid with dissimilar properties. This amino acid position is not well conserved in available vertebrate species. In addition, this alteration is predicted to be tolerated by in silico analysis. Since supporting evidence is limited at this time, the clinical significance of this alteration remains unclear.

NM_001868.4(CPA1):c.401T>G (p.Leu134Arg)

Gene: CPA1 (carboxypeptidase A1; plus strand). Cytogenetic location: 7q32.2.
Variant type: single nucleotide variant.
Coding change: c.401T>G on transcript NM_001868.4 (MANE Select); coding-DNA position 401, T replaced by G.
Protein change: p.Leu134Arg; replaces leucine 134 with arginine.
Molecular consequence: missense variant.
Genome position (GRCh38, 1-based): chr7:130,382,127, T>G. VCF-style: chr7-130382127-T-G. GRCh37 (hg19) VCF-style: chr7-130021968-T-G.
Other names: short protein forms L134R.
Identifiers: ClinVar variation 824511 (VCV000824511.5), dbSNP rs781977220, ClinGen allele CA4484792.